The following is an entry in ClinVar:

NM_006258.4(PRKG1):c.502G>C (p.Glu168Gln)

Gene: PRKG1 (protein kinase cGMP-dependent 1; plus strand). Cytogenetic location: 10q21.1.
Variant type: single nucleotide variant.
Coding change: c.502G>C on transcript NM_006258.4 (MANE Select); coding-DNA position 502, G replaced by C.
Protein change: p.Glu168Gln; replaces glutamic acid 168 with glutamine.
Molecular consequence: missense variant.
Genome position (GRCh38, 1-based): chr10:51,467,746, G>C. VCF-style: chr10-51467746-G-C. GRCh37 (hg19) VCF-style: chr10-53227506-G-C.
Other names: c.457G>C, p.Glu153Gln (NM_001098512.3); c.502G>C, p.Glu168Gln (NM_001374782.1); short protein forms E153Q, E168Q.
Identifiers: ClinVar variation 3655881 (VCV003655881.2).

ClinVar aggregate classification (germline): Uncertain significance (1 of 4 stars; one submission).

Conditions:
Aortic aneurysm, familial thoracic 8 (AAT8). Identifiers: MedGen C3809513, MONDO:0014187, OMIM 615436.

gnomAD v4.1: 1 of 1,612,520 alleles (0.000062%); highest among the groups gnomAD compares: East Asian, 0.0022%; no homozygotes.

Submission:

Labcorp Genetics (formerly Invitae), Labcorp
Classification: Uncertain significance for Aortic aneurysm, familial thoracic 8. Last evaluated: 2024-06-08. Review status: criteria provided, single submitter. Criteria: Invitae Variant Classification Sherloc (09022015). Collection method: clinical testing. Allele origin: germline.
Comment: This sequence change replaces glutamic acid, which is acidic and polar, with glutamine, which is neutral and polar, at codon 168 of the PRKG1 protein (p.Glu168Gln). This variant is present in population databases (rs568518088, gnomAD 0.006%). This variant has not been reported in the literature in individuals affected with PRKG1-related conditions. An algorithm developed to predict the effect of missense changes on protein structure and function (PolyPhen-2) suggests that this variant is likely to be tolerated. In summary, the available evidence is currently insufficient to determine the role of this variant in disease. Therefore, it has been classified as a Variant of Uncertain Significance.